The following is an entry in ClinVar:

NM_052947.4(ALPK2):c.3815T>A (p.Val1272Asp)

Genes: ALPK2 (alpha kinase 2; minus strand), LOC126862764 (BRD4-independent group 4 enhancer GRCh37_chr18:56202574-56203773; plus strand). Cytogenetic location: 18q21.31.
Variant type: single nucleotide variant.
Coding change: c.3815T>A on transcript NM_052947.4 (MANE Select); coding-DNA position 3815, T replaced by A.
Protein change: p.Val1272Asp; replaces valine 1272 with aspartic acid.
Molecular consequence: missense variant.
Genome position (GRCh38, 1-based): chr18:58,536,372, A>T on the plus strand (T>A on the coding strand, the complement: ALPK2 is on the minus strand). VCF-style: chr18-58536372-A-T. GRCh37 (hg19) VCF-style: chr18-56203604-A-T.
Other names: short protein forms V1272D.
Identifiers: ClinVar variation 2449276 (VCV002449276.2), dbSNP rs2518875892, ClinGen allele CA402565500.
Genomic context (GRCh38, chr18:58,536,372, plus strand): 5'-TCAGAGGGGGCCAATTCAGGCACAACAGCATCTGCCTTTAGACTATCAGGTACAGCCCAG[A>T]CCTTGTCAGGAATTATGAGACCACCGTCTGATGCCTTGCTCTCAGAATTTGTCAGTTGTC-3'
Protein context (NP_443179.3, residues 1262-1282): SDGGLIIPDK[Val1272Asp]WAVPDSLKAD

ClinVar aggregate classification (germline): Uncertain significance (1 of 4 stars; one submission).

Submission:

Ambry Genetics
Classification: Uncertain significance. Last evaluated: 2023-02-05. Review status: criteria provided, single submitter. Criteria: Ambry Variant Classification Scheme 2023. Collection method: clinical testing. Allele origin: germline.
Comment: The p.V1272D variant (also known as c.3815T>A), located in coding exon 4 of the ALPK2 gene, results from a T to A substitution at nucleotide position 3815. The valine at codon 1272 is replaced by aspartic acid, an amino acid with highly dissimilar properties. This amino acid position is conserved. In addition, this alteration is predicted to be tolerated by in silico analysis. Since supporting evidence is limited at this time, the clinical significance of this alteration remains unclear.